The following is an entry in ClinVar:

NM_001374736.1(DST):c.23360G>A (p.Arg7787Gln)

Gene: DST (dystonin; minus strand). Cytogenetic location: 6p12.1.
Variant type: single nucleotide variant.
Coding change: c.23360G>A on transcript NM_001374736.1 (MANE Select); coding-DNA position 23360, G replaced by A.
Protein change: p.Arg7787Gln; replaces arginine 7787 with glutamine.
Molecular consequence: missense variant.
Genome position (GRCh38, 1-based): chr6:56,459,102, C>T on the plus strand (G>A on the coding strand, the complement: DST is on the minus strand). VCF-style: chr6-56459102-C-T. GRCh37 (hg19) VCF-style: chr6-56323900-C-T.
Other names: c.16397G>A, p.Arg5466Gln (NM_183380.4); c.22289G>A, p.Arg7430Gln (NM_001374729.1); c.16031G>A, p.Arg5344Gln (NM_001374730.1); c.16931G>A, p.Arg5644Gln (NM_001144769.5); c.16517G>A, p.Arg5506Gln (NM_001144770.2); c.23288G>A, p.Arg7763Gln (NM_001374722.1); c.23315G>A, p.Arg7772Gln (NM_001374734.1); c.16379G>A, p.Arg5460Gln (NM_001386100.1); and 1 more; short protein forms R5344Q, R7763Q, R5460Q, R5466Q, R7787Q, R5506Q, R5644Q, R7772Q.
Identifiers: ClinVar variation 1500400 (VCV001500400.5), dbSNP rs375978950, ClinGen allele CA3865980.
Genomic context (GRCh38, chr6:56,459,102, plus strand): 5'-GATTTCCTCTGGGGCGTGGGGATTTTTGAAGGCTTCGCTGTGGATGGCCGAGAACCTGCT[C>T]GGGGTGTAGGTCTGTGTGTCTGGGGGACAGTTTCCACATCTGAGCACACGGACTGGATTT-3'
Protein context (NP_001361665.1, residues 7777-7797): TVPQTHRPTP[Arg7787Gln]AGSRPSTAKP

ClinVar aggregate classification (germline): Uncertain significance. Review status: criteria provided, multiple submitters, no conflicts (2 of 4 stars). 2 submissions from 2 submitters: Uncertain significance (2). Last evaluated 2021-08-24.

Conditions:
Epidermolysis bullosa simplex 3, localized or generalized intermediate, with BP230 deficiency (EBS3). Also called: Epidermolysis bullosa simplex due to BP230 deficiency; Epidermolysis bullosa simplex, autosomal recessive 2. Identifiers: Orphanet 412181, MedGen C3809470, MONDO:0014180, OMIM 615425.
Hereditary sensory and autonomic neuropathy type 6. Also called: Neuropathy, hereditary sensory and autonomic, type VI; HSAN VI. Identifiers: Orphanet 314381, MedGen C3539003, MONDO:0013839, OMIM 614653.
Inborn genetic diseases. Identifiers: MedGen C0950123, MeSH D030342.

Allele frequency attached by ClinVar (database versions not stated): ExAC 0.00001; gnomAD 0.00001; gnomAD exomes 0.00001; TOPMed 0.00001; ESP Exome Variant Server 0.00008.
gnomAD v4.1: 9 of 1,613,822 alleles (0.00056%); highest among the groups gnomAD compares: Middle Eastern, 0.016%; no homozygotes.

Submissions (2):

Labcorp Genetics (formerly Invitae), Labcorp
Classification: Uncertain significance for Epidermolysis bullosa simplex 3, localized or generalized intermediate, with BP230 deficiency; Hereditary sensory and autonomic neuropathy type 6. Last evaluated: 2021-08-24. Review status: criteria provided, single submitter. Criteria: Invitae Variant Classification Sherloc (09022015). Collection method: clinical testing. Allele origin: germline.

Ambry Genetics
Classification: Uncertain significance for Inborn genetic diseases. Last evaluated: 2020-12-21. Review status: criteria provided, single submitter. Criteria: Ambry Variant Classification Scheme 2023. Collection method: clinical testing. Allele origin: germline.
Comment: The p.R5644Q variant (also known as c.16931G>A), located in coding exon 97 of the DST gene, results from a G to A substitution at nucleotide position 16931. The arginine at codon 5644 is replaced by glutamine, an amino acid with highly similar properties. This amino acid position is highly conserved in available vertebrate species. In addition, this alteration is predicted to be tolerated by in silico analysis. Since supporting evidence is limited at this time, the clinical significance of this alteration remains unclear.